The following is an entry in ClinVar:

ClinVar aggregate classification (germline): Uncertain significance (1 of 4 stars; one submission).

Conditions:
Glycogen storage disease IXd (GSD9D). Also called: Muscle Phosphorylase Kinase Deficiency; GSD IXd. Identifiers: Orphanet 715, MedGen C1845151, MONDO:0010362, OMIM 300559.

Allele frequency attached by ClinVar (database versions not stated): gnomAD exomes below 0.00001; ExAC 0.00001.
gnomAD v4.1: 1 of 1,207,852 alleles (0.000083%); highest among the groups gnomAD compares: Admixed American, 0.0022%; no homozygotes.

Submissions (3):

Labcorp Genetics (formerly Invitae), Labcorp
Classification: Uncertain significance for Glycogen storage disease IXd. Last evaluated: 2023-05-25. Review status: criteria provided, single submitter. Criteria: Invitae Variant Classification Sherloc (09022015). Collection method: clinical testing. Allele origin: germline.
Comment: This sequence change replaces tyrosine, which is neutral and polar, with phenylalanine, which is neutral and non-polar, at codon 1202 of the PHKA1 protein (p.Tyr1202Phe). This variant is present in population databases (rs782598264, gnomAD 0.004%). This variant has not been reported in the literature in individuals affected with PHKA1-related conditions. An algorithm developed to predict the effect of missense changes on protein structure and function (PolyPhen-2) suggests that this variant is likely to be disruptive. In summary, the available evidence is currently insufficient to determine the role of this variant in disease. Therefore, it has been classified as a Variant of Uncertain Significance.

Dr. Peter K. Rogan Lab, Western University
No classification provided (evidence only). Condition: Thyroid cancer, nonmedullary, 1. Review status: no classification provided. Collection method: in vitro. Allele origin: not applicable. Functional consequence: retained intron. Not counted in ClinVar's aggregate classification.

Dr. Peter K. Rogan Lab, Western University
No classification provided (evidence only). Condition: Thyroid cancer, nonmedullary, 1. Review status: no classification provided. Collection method: in vitro. Allele origin: not applicable. Functional consequence: retained intron. Not counted in ClinVar's aggregate classification.

NM_002637.4(PHKA1):c.3605A>T (p.Tyr1202Phe)

Gene: PHKA1 (phosphorylase kinase regulatory subunit alpha 1; minus strand). Cytogenetic location: Xq13.1.
Variant type: single nucleotide variant.
Coding change: c.3605A>T on transcript NM_002637.4 (MANE Select); coding-DNA position 3605, A replaced by T.
Protein change: p.Tyr1202Phe; replaces tyrosine 1202 with phenylalanine.
Molecular consequence: missense variant.
Genome position (GRCh38, 1-based): chrX:72,581,069, T>A on the plus strand (A>T on the coding strand, the complement: PHKA1 is on the minus strand). VCF-style: chrX-72581069-T-A. GRCh37 (hg19) VCF-style: chrX-71800919-T-A.
Other names: c.3566A>T, p.Tyr1189Phe (NM_001122670.2); c.3389A>T, p.Tyr1130Phe (NM_001172436.2); short protein forms Y1202F, Y1130F, Y1189F.
Identifiers: ClinVar variation 2865854 (VCV002865854.4), dbSNP rs782598264, ClinGen allele CA10450423.